The following is an entry in ClinVar:

ClinVar aggregate classification (germline): Uncertain significance. Review status: criteria provided, multiple submitters, no conflicts (2 of 4 stars). 2 submissions from 2 submitters: Uncertain significance (2). Last evaluated 2021-11-03.

Conditions:
Juvenile polyposis syndrome (JPS). Identifiers: Orphanet 2929, MedGen C0345893, MONDO:0017380, OMIM 174900.

Submissions (2):

AiLife Diagnostics
Classification: Uncertain significance. Last evaluated: 2021-11-03. Review status: criteria provided, single submitter. Criteria: ACMG Guidelines, 2015. Collection method: clinical testing. Allele origin: germline. Affected: yes. Observed: 1 variant allele.

Labcorp Genetics (formerly Invitae), Labcorp
Classification: Uncertain significance for Juvenile polyposis syndrome. Last evaluated: 2016-04-10. Review status: criteria provided, single submitter. Criteria: Invitae Variant Classification Sherloc (09022015). Collection method: clinical testing. Allele origin: germline.
Comment: Algorithms developed to predict the effect of missense changes on protein structure and function do not agree on the potential impact of this missense change (SIFT: "Tolerated"; PolyPhen-2: "Probably Damaging"; Align-GVGD: "Class C0"). In summary, this variant is a novel missense change with uncertain impact on protein function. It has been classified as a Variant of Uncertain Significance. This variant is not present in population databases (ExAC no frequency) and has not been reported in the literature in individuals with a SMAD4-related disease. This sequence change replaces valine with methionine at codon 506 of the SMAD4 protein (p.Val506Met). The valine residue is highly conserved and there is a small physicochemical difference between valine and methionine.

NM_005359.6(SMAD4):c.1516G>A (p.Val506Met)

Gene: SMAD4 (SMAD family member 4; plus strand). Cytogenetic location: 18q21.2.
Variant type: single nucleotide variant.
Coding change: c.1516G>A on transcript NM_005359.6 (MANE Select); coding-DNA position 1516, G replaced by A.
Protein change: p.Val506Met; replaces valine 506 with methionine.
Molecular consequence: missense variant.
Genome position (GRCh38, 1-based): chr18:51,078,324, G>A. VCF-style: chr18-51078324-G-A. GRCh37 (hg19) VCF-style: chr18-48604694-G-A.
Other names: short protein forms V506M.
Identifiers: ClinVar variation 405507 (VCV000405507.11), dbSNP rs1060500746, ClinGen allele CA16615806.